The following is an entry in ClinVar:

ClinVar aggregate classification (germline): Uncertain significance (1 of 4 stars; one submission).

Submission:

Labcorp Genetics (formerly Invitae), Labcorp
Classification: Uncertain significance. Last evaluated: 2024-10-13. Review status: criteria provided, single submitter. Criteria: Invitae Variant Classification Sherloc (09022015). Collection method: clinical testing. Allele origin: germline.
Comment: This sequence change replaces arginine, which is basic and polar, with serine, which is neutral and polar, at codon 492 of the ARHGEF1 protein (p.Arg492Ser). This variant is not present in population databases (gnomAD no frequency). This variant has not been reported in the literature in individuals affected with ARHGEF1-related conditions. An algorithm developed to predict the effect of missense changes on protein structure and function outputs the following: PolyPhen-2: "Benign". The serine amino acid residue is found in multiple mammalian species, which suggests that this missense change does not adversely affect protein function. In summary, the available evidence is currently insufficient to determine the role of this variant in disease. Therefore, it has been classified as a Variant of Uncertain Significance.

NM_004706.4(ARHGEF1):c.1429C>A (p.Arg477Ser)

Gene: ARHGEF1 (Rho guanine nucleotide exchange factor 1; plus strand). Cytogenetic location: 19q13.2.
Variant type: single nucleotide variant.
Coding change: c.1429C>A on transcript NM_004706.4 (MANE Select); coding-DNA position 1429, C replaced by A.
Protein change: p.Arg477Ser; replaces arginine 477 with serine.
Molecular consequence: missense variant. On other transcripts: non-coding transcript variant (2).
Genome position (GRCh38, 1-based): chr19:41,902,288, C>A. VCF-style: chr19-41902288-C-A. GRCh37 (hg19) VCF-style: chr19-42406438-C-A.
Other names: c.1597C>A, p.Arg533Ser (NM_001396000.1); c.1330C>A, p.Arg444Ser (NM_001396002.1, NM_001396004.1, NM_198977.2); c.1429C>A, p.Arg477Ser (NM_001396003.1, NM_001396006.1); c.1474C>A, p.Arg492Ser (NM_199002.2); short protein forms R444S, R477S, R492S, R533S.
Identifiers: ClinVar variation 3616308 (VCV003616308.2).
Genomic context (GRCh38, chr19:41,902,288, plus strand): 5'-ATCTTCCAGACCCTGGTGGAGCATCCCTTTCCTCCTGCCCCCACAGCCCTGTTCCTCGAT[C>A]GCCTGATGAAGCGGAGGCAGGAGAGTGGCTACCTCATCGAGGAGATCGGAGACGTGCTGC-3'
Protein context (NP_004697.2, residues 467-487): LIEVHSLFLD[Arg477Ser]LMKRRQESGY